The following is an entry in ClinVar:

ClinVar aggregate classification (germline): Uncertain significance. Review status: criteria provided, multiple submitters, no conflicts (2 of 4 stars). 3 submissions from 3 submitters: Uncertain significance (3). Last evaluated 2026-08-17.

Conditions:
MYH14-related disorder. Also called: MYH14-related condition.

Submissions (3):

PreventionGenetics, part of Exact Sciences
Classification: Uncertain significance for MYH14-related condition. Last evaluated: 2026-08-17. Review status: criteria provided, single submitter. Criteria: ACMG Guidelines, 2015. Collection method: clinical testing. Allele origin: germline.
Comment: The MYH14 c.1651C>T variant is predicted to result in the amino acid substitution p.Arg551Trp. To our knowledge, this variant has not been reported in the literature or in a large population database (gnomAD), indicating this variant is rare. At this time, the clinical significance of this variant is uncertain due to the absence of conclusive functional and genetic evidence.

Labcorp Genetics (formerly Invitae), Labcorp
Classification: Uncertain significance. Last evaluated: 2025-04-10. Review status: criteria provided, single submitter. Criteria: Invitae Variant Classification Sherloc (09022015). Collection method: clinical testing. Allele origin: germline.
Comment: This sequence change replaces arginine, which is basic and polar, with tryptophan, which is neutral and slightly polar, at codon 543 of the MYH14 protein (p.Arg543Trp). This variant is not present in population databases (gnomAD no frequency). This variant has not been reported in the literature in individuals affected with MYH14-related conditions. Invitae Evidence Modeling of protein sequence and biophysical properties (such as structural, functional, and spatial information, amino acid conservation, physicochemical variation, residue mobility, and thermodynamic stability) indicates that this missense variant is expected to disrupt MYH14 protein function with a positive predictive value of 80%. In summary, the available evidence is currently insufficient to determine the role of this variant in disease. Therefore, it has been classified as a Variant of Uncertain Significance.

Blueprint Genetics
Classification: Uncertain significance. Last evaluated: 2018-11-27. Review status: criteria provided, single submitter. Criteria: ACMG Guidelines, 2015. Collection method: clinical testing. Allele origin: germline.

NM_001145809.2(MYH14):c.1651C>T (p.Arg551Trp)

Gene: MYH14 (myosin heavy chain 14; plus strand). Cytogenetic location: 19q13.33.
Variant type: single nucleotide variant.
Coding change: c.1651C>T on transcript NM_001145809.2 (MANE Select); coding-DNA position 1651, C replaced by T.
Protein change: p.Arg551Trp; replaces arginine 551 with tryptophan.
Molecular consequence: missense variant.
Genome position (GRCh38, 1-based): chr19:50,249,818, C>T. VCF-style: chr19-50249818-C-T. GRCh37 (hg19) VCF-style: chr19-50753075-C-T.
Other names: c.1651C>T (NM_001145809.1); c.1651C>T, p.Arg551Trp (NM_001077186.2); c.1627C>T, p.Arg543Trp (NM_024729.4); short protein forms R543W, R551W.
Identifiers: ClinVar variation 4750565 (VCV004750565.3).
Genomic context (GRCh38, chr19:50,249,818, plus strand): 5'-ATCCCCTGGACCTTCCTCGACTTTGGCCTCGACCTGCAGCCCTGCATCGACCTCATCGAG[C>T]GGCCGGTGAGCCCCAGGCCCCTCCCAGCCCACACTCACGGTTCAGATCCGTCTCTCCCAG-3'
Protein context (NP_001139281.1, residues 541-561): DLQPCIDLIE[Arg551Trp]PANPPGLLAL